The following is an entry in ClinVar:

NM_000059.4(BRCA2):c.8826T>C (p.Ala2942=)

Gene: BRCA2 (BRCA2 DNA repair associated; plus strand). Cytogenetic location: 13q13.1.
Variant type: single nucleotide variant.
Coding change: c.8826T>C on transcript NM_000059.4 (MANE Select); coding-DNA position 8826, T replaced by C.
Protein change: p.Ala2942=; no amino-acid change (alanine 2942 retained).
Molecular consequence: synonymous variant.
Genome position (GRCh38, 1-based): chr13:32,379,388, T>C. VCF-style: chr13-32379388-T-C. GRCh37 (hg19) VCF-style: chr13-32953525-T-C.
Identifiers: ClinVar variation 427401 (VCV000427401.24), dbSNP rs1131692125, ClinGen allele CA483261952.

ClinVar aggregate classification (germline): Likely benign. Review status: reviewed by expert panel (3 of 4 stars). 8 submissions from 8 submitters: Likely benign (1). 7 of the submissions do not count toward it. Last evaluated 2017-06-29.

Conditions:
Hereditary cancer-predisposing syndrome. Also called: Tumor predisposition; Hereditary Cancer Syndrome; Hereditary neoplastic syndrome; Neoplastic Syndromes, Hereditary. Identifiers: Orphanet 140162, MedGen C0027672, MeSH D009386, MONDO:0015356.
Breast-ovarian cancer, familial, susceptibility to, 2 (BROVCA2). Also called: BRCA2 Hereditary Breast and Ovarian Cancer. Identifiers: Orphanet 145, MedGen C2675520, MONDO:0012933, OMIM 612555. Disease mechanism: loss of function.
Hereditary breast ovarian cancer syndrome. Also called: Hereditary breast and ovarian cancer syndrome (HBOC); Breast and ovarian cancer; Hereditary breast and ovarian cancer; Hereditary breast and ovarian cancer syndrome; BRCA1- and BRCA2-Associated Hereditary Breast and Ovarian Cancer; Hereditary breast and/or ovarian cancer syndrome. Identifiers: Orphanet 145, MedGen C0677776, MeSH D061325, MONDO:0003582. Disease mechanism: loss of function.

Allele frequency attached by ClinVar (database versions not stated): TOPMed below 0.00001.

Submissions (8):

Evidence-based Network for the Interpretation of Germline Mutant Alleles (ENIGMA)
Classification: Likely benign for Breast-ovarian cancer, familial, susceptibility to, 2. Last evaluated: 2017-06-29. Review status: reviewed by expert panel. Criteria: ENIGMA BRCA1/2 Classification Criteria (2017-06-29). Collection method: curation. Allele origin: germline.
Comment: Synonymous substitution variant, with low bioinformatic likelihood to result in a splicing aberration (Splicing prior probability 0.02).

Women's Health and Genetics/Laboratory Corporation of America, LabCorp
Classification: Likely benign. Last evaluated: 2026-04-27. Review status: criteria provided, single submitter. Criteria: LabCorp Variant Classification Summary - May 2015. Collection method: clinical testing. Allele origin: germline. Not counted in ClinVar's aggregate classification.

Labcorp Genetics (formerly Invitae), Labcorp
Classification: Likely benign for Hereditary breast ovarian cancer syndrome. Last evaluated: 2023-09-14. Review status: criteria provided, single submitter. Criteria: Invitae Variant Classification Sherloc (09022015). Collection method: clinical testing. Allele origin: germline. Not counted in ClinVar's aggregate classification.

All of Us Research Program, National Institutes of Health
Classification: Likely benign for Breast-ovarian cancer, familial, susceptibility to, 2. Last evaluated: 2023-02-24. Review status: criteria provided, single submitter. Criteria: ACMG Guidelines, 2015. Collection method: clinical testing. Allele origin: germline. Inheritance: Autosomal dominant inheritance. Observed: 1 variant allele, 1 heterozygote. Not counted in ClinVar's aggregate classification.
Comment: This study involves interpretation of variants in research participants for the purpose of population health screening. Participant phenotype was not available at the time of variant classification. Additional details can be found in publication PMID: 35346344, PMCID: PMC8962531

Sema4
Classification: Likely benign for Hereditary cancer-predisposing syndrome. Last evaluated: 2021-12-28. Review status: criteria provided, single submitter. Criteria: Sema4 Curation Guidelines. Collection method: curation. Allele origin: germline. Not counted in ClinVar's aggregate classification.

Ambry Genetics
Classification: Likely benign for Hereditary cancer-predisposing syndrome. Last evaluated: 2018-11-30. Review status: criteria provided, single submitter. Criteria: Ambry Variant Classification Scheme 2023. Collection method: clinical testing. Allele origin: germline. Not counted in ClinVar's aggregate classification.

Diagnostic Laboratory, Department of Genetics, University Medical Center Groningen
Classification: Likely benign. Review status: no assertion criteria provided. Collection method: clinical testing. Allele origin: germline. Affected: yes. Study: VKGL Data-share Consensus. Not counted in ClinVar's aggregate classification.

Joint Genome Diagnostic Labs from Nijmegen and Maastricht, Radboudumc and MUMC+
Classification: Likely benign. Review status: no assertion criteria provided. Collection method: clinical testing. Allele origin: germline. Affected: yes. Study: VKGL Data-share Consensus. Not counted in ClinVar's aggregate classification.